The following is an entry in ClinVar:

ClinVar aggregate classification (germline): Uncertain significance (0 of 4 stars; one submission).

Conditions:
Prostate cancer. Also called: Malignant tumor of prostate. Identifiers: Orphanet 1331, MedGen C0376358, MONDO:0008315, HP:0012125.

Allele frequency attached by ClinVar (database versions not stated): TOPMed below 0.00001.

Submission:

Science for Life laboratory,  Karolinska Institutet
Classification: Uncertain significance for Malignant tumor of prostate. Review status: no assertion criteria provided. Collection method: not provided. Allele origin: somatic.
Comment: TumorID:SWE-90A
ClinVar note: Converted during submission from Unknown to Uncertain significance.

NM_005379.4(MYO1A):c.2887G>A (p.Val963Met)

Gene: MYO1A (myosin IA; minus strand). Cytogenetic location: 12q13.3.
Variant type: single nucleotide variant.
Coding change: c.2887G>A on transcript NM_005379.4 (MANE Select); coding-DNA position 2887, G replaced by A.
Protein change: p.Val963Met; replaces valine 963 with methionine.
Molecular consequence: missense variant.
Genome position (GRCh38, 1-based): chr12:57,029,250, C>T on the plus strand (G>A on the coding strand, the complement: MYO1A is on the minus strand). VCF-style: chr12-57029250-C-T. GRCh37 (hg19) VCF-style: chr12-57423034-C-T.
Other names: c.2887G>A, p.Val963Met (NM_001256041.2); short protein forms V963M.
Identifiers: ClinVar variation 161632 (VCV000161632.2), dbSNP rs193921066, ClinGen allele CA174496.